The following is an entry in ClinVar:

ClinVar aggregate classification (germline): Uncertain significance. Review status: criteria provided, multiple submitters, no conflicts (2 of 4 stars). 5 submissions from 5 submitters: Uncertain significance (5). Last evaluated 2026-02-24.

Conditions:
TNXB-related disorder. Also called: TNXB-related condition.
Cardiovascular phenotype. Identifiers: MedGen CN230736.

Allele frequency attached by ClinVar (database versions not stated): ExAC 0.00004; gnomAD 0.00004; TOPMed 0.00011; 1000 Genomes Project 30x 0.00016; 1000 Genomes Project 0.00020.
gnomAD v4.1: 50 of 1,607,048 alleles (0.0031%); highest among the groups gnomAD compares: Middle Eastern, 0.05%; no homozygotes.

Submissions (5):

PreventionGenetics, part of Exact Sciences
Classification: Uncertain significance for TNXB-related condition. Last evaluated: 2026-02-24. Review status: criteria provided, single submitter. Criteria: ACMG Guidelines, 2015. Collection method: clinical testing. Allele origin: germline.
Comment: The TNXB c.148G>T variant is predicted to result in the amino acid substitution p.Ala50Ser. To our knowledge, this variant has not been reported in the literature. This variant is reported in 0.020% of alleles in individuals of Latino descent in gnomAD. At this time, the clinical significance of this variant is uncertain due to the absence of conclusive functional and genetic evidence.

CeGaT Center for Human Genetics Tuebingen
Classification: Uncertain significance. Last evaluated: 2025-06-01. Review status: criteria provided, single submitter. Criteria: CeGaT Center For Human Genetics Tuebingen Variant Classification Criteria Version 2. Collection method: clinical testing. Allele origin: germline. Affected: yes. Observed: 1 variant allele.
Comment: TNXB: PM2, BP4

Dasa
Classification: Uncertain significance. Last evaluated: 2025-04-12. Review status: criteria provided, single submitter. Criteria: DASA Assertion Criteria. Collection method: clinical testing. Allele origin: germline.
Comment: NM_001365276.2(TNXB):c.148G>T (p.Ala50Ser) is a missense variant that results in the substitution of alanine with serine. This variant is rare in population databases. Computational prediction algorithms are consistent with a benign effect. The currently available literature and clinical evidence are not sufficient to establish a definitive association between this variant and the reported condition. Therefore, this variant is classified as a variant of uncertain significance.

GeneDx
Classification: Uncertain significance. Last evaluated: 2022-12-05. Review status: criteria provided, single submitter. Criteria: GeneDx Variant Classification Process June 2021. Collection method: clinical testing. Allele origin: germline. Affected: yes.
Comment: Has not been previously published as pathogenic or benign to our knowledge; In silico analysis supports that this missense variant does not alter protein structure/function; This variant is associated with the following publications: (PMID: 27535533)

Ambry Genetics
Classification: Uncertain significance for Cardiovascular phenotype. Last evaluated: 2022-10-26. Review status: criteria provided, single submitter. Criteria: Ambry Variant Classification Scheme 2023. Collection method: clinical testing. Allele origin: germline.

NM_001365276.2(TNXB):c.148G>T (p.Ala50Ser)

Gene: TNXB (tenascin XB; minus strand). Cytogenetic location: 6p21.33.
Variant type: single nucleotide variant.
Coding change: c.148G>T on transcript NM_001365276.2 (MANE Select); coding-DNA position 148, G replaced by T.
Protein change: p.Ala50Ser; replaces alanine 50 with serine.
Molecular consequence: missense variant.
Genome position (GRCh38, 1-based): chr6:32,098,051, C>A on the plus strand (G>T on the coding strand, the complement: TNXB is on the minus strand). VCF-style: chr6-32098051-C-A. GRCh37 (hg19) VCF-style: chr6-32065828-C-A.
Other names: c.148G>T, p.Ala50Ser (NM_019105.8); short protein forms A50S.
Identifiers: ClinVar variation 1773755 (VCV001773755.14), dbSNP rs576973691, ClinGen allele CA3735898.